The following is an entry in ClinVar:

NM_012309.5(SHANK2):c.5156_5157del (p.Lys1719fs)

Gene: SHANK2 (SH3 and multiple ankyrin repeat domains 2; minus strand). Cytogenetic location: 11q13.3.
Variant type: Deletion.
Coding change: c.5156_5157del on transcript NM_012309.5 (MANE Select); coding-DNA positions 5156 to 5157, 2 bases deleted (AA; older notation c.5156_5157delAA).
Protein change: p.Lys1719fs; shifts the reading frame from lysine 1719.
Molecular consequence: frameshift variant. On other transcripts: non-coding transcript variant (1).
Genome position (GRCh38, 1-based): chr11:70,473,262-70,473,263, TT deleted on the plus strand (AA on the coding strand, the reverse complement: SHANK2 is on the minus strand); deleting any 2 consecutive bases within chr11:70,473,262-70,473,264 gives the same sequence; the c. name uses the placement nearest the transcript's 3' end. VCF-style (leftmost placement, unchanged base first): chr11-70473261-CTT-C. GRCh37 (hg19) VCF-style: chr11-70319366-CTT-C.
Other names: c.4019_4020del, p.Lys1340fs (NM_001379226.1); c.3392_3393del, p.Lys1131fs (NM_133266.5); short protein forms K1131fs, K1340fs, K1719fs.
Identifiers: ClinVar variation 3381763 (VCV003381763.2).
Genomic context (GRCh38, chr11:70,473,261, plus strand): 5'-CATCTGAGAGAGCGGGAGAAGGAGAGGCGGTGGCAGCAGACAGGGGGGCGGGCAGGGTCT[CTT>C]TGTTCATCTCTGTTGGCGAGACCACAGGGCTTGGGGCACGTCTTGTTCCTGAGGTCCTGC-3'

ClinVar aggregate classification (germline): Likely pathogenic (1 of 4 stars; one submission).

Conditions:
Autism, susceptibility to, 17. Also called: Autism susceptibility 17. Identifiers: MedGen C3150693, MONDO:0013265, OMIM 613436.

Submission:

Molecular Genetics Laboratory, Motol Hospital
Classification: Likely pathogenic for Autism, susceptibility to, 17. Last evaluated: 2024-11-27. Review status: criteria provided, single submitter. Criteria: ACMG Guidelines, 2015. Collection method: clinical testing. Allele origin: maternal. Affected: yes. Observed: 2 variant alleles.
Comment: Rare truncating variants affecting the SHANK2 gene are documented as a risk factor for autism /autism susceptibility 17/ (OMIM:613436) (PMID:30911184;35456494;20473310). To conclude, the variant is classified as likely pathogenic (ACMG PVS1, PM2, PP1).

Literature cited by the submitters: PubMed 30911184; PubMed 35456494; PubMed 20473310.